The following is an entry in ClinVar:

ClinVar aggregate classification (germline): Uncertain significance (1 of 4 stars; one submission).

Submission:

Labcorp Genetics (formerly Invitae), Labcorp
Classification: Uncertain significance. Last evaluated: 2024-03-11. Review status: criteria provided, single submitter. Criteria: Invitae Variant Classification Sherloc (09022015). Collection method: clinical testing. Allele origin: germline.
Comment: This sequence change replaces valine, which is neutral and non-polar, with methionine, which is neutral and non-polar, at codon 146 of the GATA5 protein (p.Val146Met). This variant is not present in population databases (gnomAD no frequency). This variant has not been reported in the literature in individuals affected with GATA5-related conditions. ClinVar contains an entry for this variant (Variation ID: 2115891). Advanced modeling of protein sequence and biophysical properties (such as structural, functional, and spatial information, amino acid conservation, physicochemical variation, residue mobility, and thermodynamic stability) performed at Invitae indicates that this missense variant is not expected to disrupt GATA5 protein function with a negative predictive value of 80%. In summary, the available evidence is currently insufficient to determine the role of this variant in disease. Therefore, it has been classified as a Variant of Uncertain Significance.

NM_080473.5(GATA5):c.436G>A (p.Val146Met)

Gene: GATA5 (GATA binding protein 5; minus strand). Cytogenetic location: 20q13.33.
Variant type: single nucleotide variant.
Coding change: c.436G>A on transcript NM_080473.5 (MANE Select); coding-DNA position 436, G replaced by A.
Protein change: p.Val146Met; replaces valine 146 with methionine.
Molecular consequence: missense variant.
Genome position (GRCh38, 1-based): chr20:62,475,086, C>T on the plus strand (G>A on the coding strand, the complement: GATA5 is on the minus strand). VCF-style: chr20-62475086-C-T. GRCh37 (hg19) VCF-style: chr20-61050142-C-T.
Other names: short protein forms V146M.
Identifiers: ClinVar variation 2115891 (VCV002115891.4), dbSNP rs1555896979, ClinGen allele CA409556374.